The following is an entry in ClinVar:

NM_002386.4(MC1R):c.586T>C (p.Phe196Leu)

Gene: MC1R (melanocortin 1 receptor; plus strand). Cytogenetic location: 16q24.3.
Variant type: single nucleotide variant.
Coding change: c.586T>C on transcript NM_002386.4 (MANE Select); coding-DNA position 586, T replaced by C.
Protein change: p.Phe196Leu; replaces phenylalanine 196 with leucine.
Molecular consequence: missense variant.
Genome position (GRCh38, 1-based): chr16:89,919,844, T>C. VCF-style: chr16-89919844-T-C. GRCh37 (hg19) VCF-style: chr16-89986252-T-C.
Other names: short protein forms F196L.
Identifiers: ClinVar variation 321433 (VCV000321433.45), dbSNP rs3212366, ClinGen allele CA8255672.

ClinVar aggregate classification (germline): Benign/Likely benign. Review status: criteria provided, multiple submitters, no conflicts (2 of 4 stars). 8 submissions from 8 submitters: Benign (3); Likely benign (4). 1 of the submissions does not count toward it. Last evaluated 2026-08-01.

Conditions:
Melanoma, cutaneous malignant, susceptibility to, 5. Also called: Cutaneous malignant melanoma 5. Identifiers: Orphanet 618, MedGen C2751295, MONDO:0013133, OMIM 613099.
Tyrosinase-positive oculocutaneous albinism (OCA2). Also called: Albinism, oculocutaneous, type II; Oculocutaneous albinism type 2; ALBINISM II. Identifiers: Orphanet 79432, MedGen C0268495, MONDO:0008746, OMIM 203200.
Increased analgesia from kappa-opioid receptor agonist, female-specific. Identifiers: MedGen C2751296, OMIM 613098.
SKIN/HAIR/EYE PIGMENTATION, VARIATION IN, 2 (SHEP2). Also called: RED HAIR COLOR; BLOND HAIR/FAIR SKIN; HAIR COLOR 2. Identifiers: MedGen C1849452, OMIM 266300.
MC1R-related disorder. Also called: MC1R-related condition.

Allele frequency attached by ClinVar (database versions not stated): ExAC 0.00291; 1000 Genomes Project 0.00619; 1000 Genomes Project 30x 0.00718; gnomAD 0.00938; ESP Exome Variant Server 0.01075; TOPMed 0.01108.

Submissions (8):

CeGaT Center for Human Genetics Tuebingen
Classification: Benign. Last evaluated: 2026-08-01. Review status: criteria provided, single submitter. Criteria: CeGaT Center For Human Genetics Tuebingen Variant Classification Criteria Version 2. Collection method: clinical testing. Allele origin: germline. Affected: yes. Observed: 2 variant alleles.
Comment: MC1R: BP4, BS1, BS2

Labcorp Genetics (formerly Invitae), Labcorp
Classification: Benign for Melanoma, cutaneous malignant, susceptibility to, 5. Last evaluated: 2026-02-02. Review status: criteria provided, single submitter. Criteria: Invitae Variant Classification Sherloc (09022015). Collection method: clinical testing. Allele origin: germline.

ARUP Laboratories, Molecular Genetics and Genomics, ARUP Laboratories
Classification: Benign. Last evaluated: 2023-09-18. Review status: criteria provided, single submitter. Criteria: ARUP Molecular Germline Variant Investigation Process 2024. Collection method: clinical testing. Allele origin: germline.

Fulgent Genetics
Classification: Likely benign for Tyrosinase-positive oculocutaneous albinism; SKIN/HAIR/EYE PIGMENTATION, VARIATION IN, 2; Increased analgesia from kappa-opioid receptor agonist, female-specific; Melanoma, cutaneous malignant, susceptibility to, 5. Last evaluated: 2021-08-04. Review status: criteria provided, single submitter. Criteria: ACMG Guidelines, 2015. Collection method: clinical testing. Allele origin: unknown.

GeneDx
Classification: Likely benign. Last evaluated: 2020-11-24. Review status: criteria provided, single submitter. Criteria: GeneDx Variant Classification Process June 2021. Collection method: clinical testing. Allele origin: germline. Affected: yes.
Comment: This variant is associated with the following publications: (PMID: 23647022, 20876876, 18402696, 22547573, 16988943, 16595073, 16280005, 15979202, 12851329)

Illumina Laboratory Services, Illumina
Classification: Likely benign for Melanoma, cutaneous malignant, susceptibility to, 5. Last evaluated: 2017-04-27. Review status: criteria provided, single submitter. Criteria: ICSL Variant Classification Criteria 13 December 2019. Collection method: clinical testing. Allele origin: germline.
Comment: This variant was observed as part of a predisposition screen in an ostensibly healthy population. A literature search was performed for the gene, cDNA change, and amino acid change (where applicable). Publications were found based on this search. The evidence from the literature, in combination with allele frequency data from public databases where available, was sufficient to determine this variant is unlikely to cause disease. Therefore, this variant is classified as likely benign.

Breakthrough Genomics
Classification: Likely benign. Review status: criteria provided, single submitter. Criteria: ACMG Guidelines, 2015. Collection method: not provided. Allele origin: germline. Inheritance: Autosomal recessive inheritance. Affected: yes.

PreventionGenetics, part of Exact Sciences
Classification: Benign for MC1R-related condition. Last evaluated: 2019-05-02. Review status: no assertion criteria provided. Collection method: clinical testing. Allele origin: germline. Not counted in ClinVar's aggregate classification.
Comment: This variant is classified as benign based on ACMG/AMP sequence variant interpretation guidelines (Richards et al. 2015 PMID: 25741868, with internal and published modifications).

Literature cited by the submitters: PubMed 16988943 (cited by Illumina Laboratory Services, Illumina); PubMed 12851329 (cited by Illumina Laboratory Services, Illumina); PubMed 23647022 (cited by Illumina Laboratory Services, Illumina); PubMed 20876876 (cited by Illumina Laboratory Services, Illumina); PubMed 16595073 (cited by Illumina Laboratory Services, Illumina); PubMed 18402696 (cited by Illumina Laboratory Services, Illumina); PubMed 22547573 (cited by Illumina Laboratory Services, Illumina); PubMed 16280005 (cited by Illumina Laboratory Services, Illumina); PubMed 15979202 (cited by Illumina Laboratory Services, Illumina).